The following is an entry in ClinVar:

ClinVar aggregate classification (germline): Conflicting classifications of pathogenicity. Review status: criteria provided, conflicting classifications (1 of 4 stars). 2 submissions from 2 submitters: Uncertain significance (1); Likely benign (1). Last evaluated 2026-03-27.

Conditions:
Cardiovascular phenotype. Identifiers: MedGen CN230736.

Allele frequency attached by ClinVar (database versions not stated): ExAC 0.00002; gnomAD exomes 0.00002; ESP Exome Variant Server 0.00008.
gnomAD v4.1: 36 of 1,613,658 alleles (0.0022%); highest among the groups gnomAD compares: African/African-American, 0.004%; no homozygotes.

Submissions (2):

Molecular Diagnostic Laboratory for Inherited Cardiovascular Disease, Montreal Heart Institute
Classification: Likely benign. Last evaluated: 2026-03-27. Review status: criteria provided, single submitter. Criteria: ACMG Guidelines, 2015. Collection method: clinical testing. Allele origin: germline. Affected: no.
Comment: BP1

Ambry Genetics
Classification: Uncertain significance for Cardiovascular phenotype. Last evaluated: 2019-03-30. Review status: criteria provided, single submitter. Criteria: Ambry Variant Classification Scheme 2023. Collection method: clinical testing. Allele origin: germline.
Comment: The p.R19551Q variant (also known as c.58652G>A), located in coding exon 153 of the TTN gene, results from a G to A substitution at nucleotide position 58652. The arginine at codon 19551 is replaced by glutamine, an amino acid with highly similar properties. This amino acid position is highly conserved in available vertebrate species. In addition, this alteration is predicted to be tolerated by in silico analysis. Since supporting evidence is limited at this time, the clinical significance of this alteration remains unclear.

NM_001267550.2(TTN):c.85847G>A (p.Arg28616Gln)

Genes: TTN (titin; minus strand), TTN-AS1 (TTN antisense RNA 1; plus strand). Cytogenetic location: 2q31.2.
Variant type: single nucleotide variant.
Coding change: c.85847G>A on transcript NM_001267550.2 (MANE Select); coding-DNA position 85847, G replaced by A.
Protein change: p.Arg28616Gln; replaces arginine 28616 with glutamine.
Molecular consequence: missense variant.
Genome position (GRCh38, 1-based): chr2:178,560,285, C>T on the plus strand (G>A on the coding strand, the complement: TTN is on the minus strand). VCF-style: chr2-178560285-C-T. GRCh37 (hg19) VCF-style: chr2-179425012-C-T.
Other names: c.80924G>A, p.Arg26975Gln (NM_001256850.1); c.58652G>A, p.Arg19551Gln (NM_003319.4); c.78143G>A, p.Arg26048Gln (NM_133378.4); c.59027G>A, p.Arg19676Gln (NM_133432.3); c.59228G>A, p.Arg19743Gln (NM_133437.4); short protein forms R26975Q, R19743Q, R28616Q, R19551Q, R19676Q, R26048Q.
Identifiers: ClinVar variation 1750161 (VCV001750161.3), dbSNP rs373942982, ClinGen allele CA1988579.